The following is an entry in ClinVar:

NM_000368.5(TSC1):c.2485A>G (p.Ser829Gly)

Gene: TSC1 (TSC complex subunit 1; minus strand). Cytogenetic location: 9q34.13.
Variant type: single nucleotide variant.
Coding change: c.2485A>G on transcript NM_000368.5 (MANE Select); coding-DNA position 2485, A replaced by G.
Protein change: p.Ser829Gly; replaces serine 829 with glycine.
Molecular consequence: missense variant.
Genome position (GRCh38, 1-based): chr9:132,901,606, T>C on the plus strand (A>G on the coding strand, the complement: TSC1 is on the minus strand). VCF-style: chr9-132901606-T-C. GRCh37 (hg19) VCF-style: chr9-135776993-T-C.
Other names: c.2482A>G, p.Ser828Gly (NM_001162426.2, NM_001406597.1, NM_001406598.1 and 2 more transcripts); c.2332A>G, p.Ser778Gly (NM_001162427.2, NM_001406610.1); c.2122A>G, p.Ser708Gly (NM_001362177.2, NM_001406614.1, NM_001406615.1 and 4 more transcripts); c.2485A>G, p.Ser829Gly (NM_001406592.1, NM_001406593.1, NM_001406594.1 and 2 more transcripts); c.2470A>G, p.Ser824Gly (NM_001406601.1, NM_001406602.1); c.2467A>G, p.Ser823Gly (NM_001406603.1, NM_001406604.1); c.2329A>G, p.Ser777Gly (NM_001406611.1, NM_001406612.1); c.2119A>G, p.Ser707Gly (NM_001406620.1, NM_001406621.1, NM_001406622.1 and 1 more transcripts); and 3 more; short protein forms S778G, S823G, S478G, S511G, S777G, S829G, S512G, S707G.
Identifiers: ClinVar variation 1791976 (VCV001791976.2), dbSNP rs118203699, ClinGen allele CA375358277.

ClinVar aggregate classification (germline): Uncertain significance (1 of 4 stars; one submission).

Conditions:
Hereditary cancer-predisposing syndrome. Also called: Hereditary Cancer Syndrome; Hereditary neoplastic syndrome; Tumor predisposition; Neoplastic Syndromes, Hereditary. Identifiers: Orphanet 140162, MedGen C0027672, MeSH D009386, MONDO:0015356.

gnomAD v4.1: 2 of 1,614,140 alleles (0.00012%); highest among the groups gnomAD compares: Non-Finnish European, 0.000085%; no homozygotes.

Submission:

Ambry Genetics
Classification: Uncertain significance for Hereditary cancer-predisposing syndrome. Last evaluated: 2020-09-29. Review status: criteria provided, single submitter. Criteria: Ambry Variant Classification Scheme 2023. Collection method: clinical testing. Allele origin: germline.
Comment: The p.S829G variant (also known as c.2485A>G), located in coding exon 17 of the TSC1 gene, results from an A to G substitution at nucleotide position 2485. The serine at codon 829 is replaced by glycine, an amino acid with similar properties. This amino acid position is well conserved in available vertebrate species. In addition, the in silico prediction for this alteration is inconclusive. Since supporting evidence is limited at this time, the clinical significance of this alteration remains unclear.